The following is an entry in ClinVar:

ClinVar aggregate classification (germline): Likely pathogenic (0 of 4 stars; one submission).

Conditions:
COL11A1-related disorder. Also called: COL11A1-related disorders; COL11A1-related condition.

Submission:

PreventionGenetics, part of Exact Sciences
Classification: Likely pathogenic for COL11A1-related condition. Last evaluated: 2024-09-24. Review status: no assertion criteria provided. Collection method: clinical testing. Allele origin: germline.
Comment: The COL11A1 c.4609G>T variant is predicted to result in the amino acid substitution p.Gly1537Cys. To our knowledge, this variant has not been reported in the literature or in a large population database, indicating this variant is rare. This variant affects a Gly residue of the conserved Gly-Xaa-Yaa triple helical domain (amino acid residues 529-1542), where substitutions of glycine are usually pathogenic (Richards et al. 2010. PubMed ID: 20513134). This variant is interpreted as likely pathogenic.

NM_001854.4(COL11A1):c.4609G>T (p.Gly1537Cys)

Gene: COL11A1 (collagen type XI alpha 1 chain; minus strand). Cytogenetic location: 1p21.1.
Variant type: single nucleotide variant.
Coding change: c.4609G>T on transcript NM_001854.4 (MANE Select); coding-DNA position 4609, G replaced by T.
Protein change: p.Gly1537Cys; replaces glycine 1537 with cysteine.
Molecular consequence: missense variant. On other transcripts: non-coding transcript variant (1).
Genome position (GRCh38, 1-based): chr1:102,887,056, C>A on the plus strand (G>T on the coding strand, the complement: COL11A1 is on the minus strand). VCF-style: chr1-102887056-C-A. GRCh37 (hg19) VCF-style: chr1-103352612-C-A.
Other names: c.4492G>T, p.Gly1498Cys (NM_001190709.2); c.4645G>T, p.Gly1549Cys (NM_080629.3); c.4261G>T, p.Gly1421Cys (NM_080630.4); short protein forms G1421C, G1498C, G1537C, G1549C.
Identifiers: ClinVar variation 3346120 (VCV003346120.1).